The following is an entry in ClinVar:

ClinVar aggregate classification (germline): Benign (1 of 4 stars; one submission).

Conditions:
Gastrointestinal stromal tumor. Also called: Gastrointestinal stromal tumor, somatic; Gastrointestinal stroma tumor. Identifiers: Orphanet 44890, MedGen C0238198, MeSH D046152, MONDO:0011719, OMIM 606764, HP:0100723.

Submission:

Myriad Genetics, Inc.
Classification: Benign for Gastrointestinal stromal tumor. Last evaluated: 2026-06-04. Review status: criteria provided, single submitter. Criteria: Myriad Autosomal Dominant, Autosomal Recessive and X-Linked Classification Criteria (2023). Collection method: clinical testing. Allele origin: unknown.
Comment: This variant is considered benign. This variant is a silent/synonymous amino acid change and it is not expected to impact splicing.

NM_000222.3(KIT):c.2364T>C (p.Cys788=)

Gene: KIT (KIT proto-oncogene, receptor tyrosine kinase; plus strand). Cytogenetic location: 4q12.
Variant type: single nucleotide variant.
Coding change: c.2364T>C on transcript NM_000222.3 (MANE Select); coding-DNA position 2364, T replaced by C.
Protein change: p.Cys788=; no amino-acid change (cysteine 788 retained).
Molecular consequence: synonymous variant.
Genome position (GRCh38, 1-based): chr4:54,733,072, T>C. VCF-style: chr4-54733072-T-C. GRCh37 (hg19) VCF-style: chr4-55599238-T-C.
Other names: c.2352T>C, p.Cys784= (NM_001093772.2, NM_001385292.1); c.2367T>C, p.Cys789= (NM_001385284.1); c.2361T>C, p.Cys787= (NM_001385285.1); c.2349T>C, p.Cys783= (NM_001385286.1); c.2355T>C, p.Cys785= (NM_001385288.1); c.2364T>C, p.Cys788= (NM_001385290.1).
Identifiers: ClinVar variation 4875814 (VCV004875814.1).